The following is an entry in ClinVar:

ClinVar aggregate classification (germline): Uncertain significance (1 of 4 stars; one submission).

gnomAD v4.1: 5 of 1,613,944 alleles (0.00031%); highest among the groups gnomAD compares: Non-Finnish European, 0.00042%; no homozygotes.

Submission:

GeneDx
Classification: Uncertain significance. Last evaluated: 2026-03-28. Review status: criteria provided, single submitter. Criteria: GeneDx Variant Classification Process June 2021. Collection method: clinical testing. Allele origin: germline.
Comment: Not observed at significant frequency in large population cohorts (gnomAD); In silico analysis supports that this missense variant has a deleterious effect on protein structure/function; Has not been previously published as pathogenic or benign to our knowledge

NM_000742.4(CHRNA2):c.754T>A (p.Tyr252Asn)

Gene: CHRNA2 (cholinergic receptor nicotinic alpha 2 subunit; minus strand). Cytogenetic location: 8p21.2.
Variant type: single nucleotide variant.
Coding change: c.754T>A on transcript NM_000742.4 (MANE Select); coding-DNA position 754, T replaced by A.
Protein change: p.Tyr252Asn; replaces tyrosine 252 with asparagine.
Molecular consequence: missense variant.
Genome position (GRCh38, 1-based): chr8:27,463,689, A>T on the plus strand (T>A on the coding strand, the complement: CHRNA2 is on the minus strand). VCF-style: chr8-27463689-A-T. GRCh37 (hg19) VCF-style: chr8-27321206-A-T.
Other names: c.709T>A, p.Tyr237Asn (NM_001282455.2); c.277T>A, p.Tyr93Asn (NM_001347705.2, NM_001347706.2); c.160T>A, p.Tyr54Asn (NM_001347707.2, NM_001347708.2); short protein forms Y237N, Y252N, Y54N, Y93N.
Identifiers: ClinVar variation 3368323 (VCV003368323.2).